The following is an entry in ClinVar:

ClinVar aggregate classification (germline): Pathogenic (1 of 4 stars; one submission).

Conditions:
Epidermolysis bullosa simplex 3, localized or generalized intermediate, with BP230 deficiency (EBS3). Also called: Epidermolysis bullosa simplex, autosomal recessive 2; Epidermolysis bullosa simplex due to BP230 deficiency. Identifiers: Orphanet 412181, MedGen C3809470, MONDO:0014180, OMIM 615425.

Submission:

Women's Health and Genetics/Laboratory Corporation of America, LabCorp
Classification: Pathogenic for Epidermolysis bullosa simplex 3, localized or generalized intermediate, with BP230 deficiency. Last evaluated: 2024-10-07. Review status: criteria provided, single submitter. Criteria: LabCorp Variant Classification Summary - May 2015. Collection method: clinical testing. Allele origin: germline.
Comment: Variant summary: The variant involves the deletion of exons 1-24 in the DST gene. A presumed nomenclature of c.(?_-102)_(*921_?)del has been designated for the purposes of this classification. This deletion includes the entire coding sequence of the gene. As the exact proximal and distal breakpoints are unknown, it may extend beyond the annotated region of the gene to include other flanking genes. The variant was absent in 21694 control chromosomes (gnomAD v4 SV dataset). To our knowledge, no occurrence of c.(?_-102)_(*921_?)del in individuals affected with Epidermolysis bullosa simplex 3, localized or generalized intermediate, with BP230 deficiency and no experimental evidence demonstrating its impact on protein function have been reported. No submitters have cited clinical-significance assessments for this variant to ClinVar. Based on the evidence outlined above, the variant was classified as pathogenic.

NC_000006.11:g.(?_56479394)_(56507688_?)del

Gene: DST (dystonin; minus strand). Cytogenetic location: 6p12.1.
Variant type: Deletion.
Identifiers: ClinVar variation 3384888 (VCV003384888.1).